The following is an entry in ClinVar:

ClinVar aggregate classification (germline): Uncertain significance (1 of 4 stars; one submission).

Conditions:
Autosomal recessive limb-girdle muscular dystrophy type 2J (LGMDR10). Also called: Limb-girdle muscular dystrophy, type 2J; MUSCULAR DYSTROPHY, LIMB-GIRDLE, AUTOSOMAL RECESSIVE 10. Identifiers: Orphanet 140922, MedGen C1837342, MONDO:0012127, OMIM 608807.
Dilated cardiomyopathy 1G (CMD1G). Identifiers: Orphanet 154, MedGen C1858763, MONDO:0011400, OMIM 604145.

gnomAD v4.1: 3 of 1,613,262 alleles (0.00019%); highest among the groups gnomAD compares: Non-Finnish European, 0.00025%; no homozygotes.

Submission:

Labcorp Genetics (formerly Invitae), Labcorp
Classification: Uncertain significance for Dilated cardiomyopathy 1G; Autosomal recessive limb-girdle muscular dystrophy type 2J. Last evaluated: 2025-11-30. Review status: criteria provided, single submitter. Criteria: Invitae Variant Classification Sherloc (09022015). Collection method: clinical testing. Allele origin: germline.
Comment: This sequence change replaces aspartic acid, which is acidic and polar, with asparagine, which is neutral and polar, at codon 35671 of the TTN protein (p.Asp35671Asn). This variant is present in population databases (no rsID available, gnomAD 0.0009%). This variant has not been reported in the literature in individuals affected with TTN-related conditions. Experimental studies and prediction algorithms are not available or were not evaluated, and the functional significance of this variant is currently unknown. This variant is located in the M band of TTN (PMID: 25589632). Non-truncating variants in this region may be relevant for neuromuscular disorders, but have not been definitively shown to cause cardiomyopathy (PMID: 23975875). In summary, the available evidence is currently insufficient to determine the role of this variant in disease. Therefore, it has been classified as a Variant of Uncertain Significance.

Literature cited by the submitters: PubMed 25589632; PubMed 23975875.

NM_001267550.2(TTN):c.107011G>A (p.Asp35671Asn)

Genes: TTN (titin; minus strand), TTN-AS1 (TTN antisense RNA 1; plus strand). Cytogenetic location: 2q31.2.
Variant type: single nucleotide variant.
Coding change: c.107011G>A on transcript NM_001267550.2 (MANE Select); coding-DNA position 107011, G replaced by A.
Protein change: p.Asp35671Asn; replaces aspartic acid 35671 with asparagine.
Molecular consequence: missense variant.
Genome position (GRCh38, 1-based): chr2:178,528,740, C>T on the plus strand (G>A on the coding strand, the complement: TTN is on the minus strand). VCF-style: chr2-178528740-C-T. GRCh37 (hg19) VCF-style: chr2-179393467-C-T.
Other names: c.102088G>A, p.Asp34030Asn (NM_001256850.1); c.79816G>A, p.Asp26606Asn (NM_003319.4); c.99307G>A, p.Asp33103Asn (NM_133378.4); c.80191G>A, p.Asp26731Asn (NM_133432.3); c.80392G>A, p.Asp26798Asn (NM_133437.4); short protein forms D26606N, D34030N, D26798N, D26731N, D33103N, D35671N.
Identifiers: ClinVar variation 4789263 (VCV004789263.1).